The following is an entry in ClinVar:

NM_004329.3(BMPR1A):c.905G>A (p.Trp302Ter)

Gene: BMPR1A (bone morphogenetic protein receptor type 1A; plus strand). Cytogenetic location: 10q23.2.
Variant type: single nucleotide variant.
Coding change: c.905G>A on transcript NM_004329.3 (MANE Select); coding-DNA position 905, G replaced by A.
Protein change: p.Trp302Ter; replaces tryptophan 302 with a stop codon.
Molecular consequence: nonsense.
Genome position (GRCh38, 1-based): chr10:86,919,208, G>A. VCF-style: chr10-86919208-G-A. GRCh37 (hg19) VCF-style: chr10-88678965-G-A.
Other names: short protein forms W302*.
Identifiers: ClinVar variation 822968 (VCV000822968.10), dbSNP rs1589291548, ClinGen allele CA377459968.

ClinVar aggregate classification (germline): Pathogenic. Review status: criteria provided, multiple submitters, no conflicts (2 of 4 stars). 2 submissions from 2 submitters: Pathogenic (2). Last evaluated 2022-01-31.

Conditions:
Juvenile polyposis syndrome (JPS). Identifiers: Orphanet 2929, MedGen C0345893, MONDO:0017380, OMIM 174900.
Hereditary cancer-predisposing syndrome. Also called: Hereditary Cancer Syndrome; Neoplastic Syndromes, Hereditary; Hereditary neoplastic syndrome; Tumor predisposition. Identifiers: Orphanet 140162, MedGen C0027672, MeSH D009386, MONDO:0015356.

Submissions (2):

Labcorp Genetics (formerly Invitae), Labcorp
Classification: Pathogenic for Juvenile polyposis syndrome. Last evaluated: 2022-01-31. Review status: criteria provided, single submitter. Criteria: Invitae Variant Classification Sherloc (09022015). Collection method: clinical testing. Allele origin: germline.
Comment: For these reasons, this variant has been classified as Pathogenic. ClinVar contains an entry for this variant (Variation ID: 822968). This variant has not been reported in the literature in individuals affected with BMPR1A-related conditions. This variant is not present in population databases (gnomAD no frequency). This sequence change creates a premature translational stop signal (p.Trp302*) in the BMPR1A gene. It is expected to result in an absent or disrupted protein product. Loss-of-function variants in BMPR1A are known to be pathogenic (PMID: 11536076, 12417513).

Ambry Genetics
Classification: Pathogenic for Hereditary cancer-predisposing syndrome. Last evaluated: 2019-05-24. Review status: criteria provided, single submitter. Criteria: Ambry Variant Classification Scheme 2023. Collection method: clinical testing. Allele origin: germline.
Comment: The p.W302* pathogenic mutation (also known as c.905G>A), located in coding exon 8 of the BMPR1A gene, results from a G to A substitution at nucleotide position 905. This changes the amino acid from a tryptophan to a stop codon within coding exon 8. This alteration is expected to result in loss of function by premature protein truncation or nonsense-mediated mRNA decay. As such, this alteration is interpreted as a disease-causing mutation.

Literature cited by the submitters: PubMed 11536076 (cited by Labcorp Genetics (formerly Invitae), Labcorp); PubMed 12417513 (cited by Labcorp Genetics (formerly Invitae), Labcorp).